The following is an entry in ClinVar:

ClinVar aggregate classification (germline): Conflicting classifications of pathogenicity. Review status: criteria provided, conflicting classifications (1 of 4 stars). 8 submissions from 8 submitters: Uncertain significance (7); Likely benign (1). Last evaluated 2025-12-30.

Conditions:
Aortic aneurysm, familial thoracic 7 (AAT7). Also called: AORTIC DISSECTION, FAMILIAL, WITH OR WITHOUT AORTIC ANEURYSM. Identifiers: MedGen C3151077, MONDO:0013418, OMIM 613780.
Megacystis-microcolon-intestinal hypoperistalsis syndrome 1. Identifiers: MedGen C5542316, MONDO:0100354, OMIM 249210.
MYLK-related disorder. Also called: MYLK-related condition.
Familial thoracic aortic aneurysm and aortic dissection (TAAD). Also called: Thoracic aortic aneurysms and dissections. Identifiers: Orphanet 91387, MedGen C4707243, MONDO:0019625.

Allele frequency attached by ClinVar (database versions not stated): ExAC 0.00002; gnomAD 0.00005; gnomAD exomes 0.00005; TOPMed 0.00007.
gnomAD v4.1: 67 of 1,611,944 alleles (0.0042%); highest among the groups gnomAD compares: Middle Eastern, 0.041%; no homozygotes.

Submissions (8):

Ambry Genetics
Classification: Likely benign for Familial thoracic aortic aneurysm and aortic dissection. Last evaluated: 2025-12-30. Review status: criteria provided, single submitter. Criteria: Ambry Variant Classification Scheme 2023. Collection method: clinical testing. Allele origin: germline.

Labcorp Genetics (formerly Invitae), Labcorp
Classification: Uncertain significance for Aortic aneurysm, familial thoracic 7. Last evaluated: 2025-12-24. Review status: criteria provided, single submitter. Criteria: Invitae Variant Classification Sherloc (09022015). Collection method: clinical testing. Allele origin: germline.
Comment: This sequence change replaces proline, which is neutral and non-polar, with leucine, which is neutral and non-polar, at codon 1431 of the MYLK protein (p.Pro1431Leu). This variant is present in population databases (rs746690413, gnomAD 0.02%). This missense change has been observed in individual(s) with thoracic aortic aneurysm and/or dissection (PMID: 30675029, 36517271). ClinVar contains an entry for this variant (Variation ID: 225287). Invitae Evidence Modeling of protein sequence and biophysical properties (such as structural, functional, and spatial information, amino acid conservation, physicochemical variation, residue mobility, and thermodynamic stability) indicates that this missense variant is not expected to disrupt MYLK protein function with a negative predictive value of 80%. In summary, the available evidence is currently insufficient to determine the role of this variant in disease. Therefore, it has been classified as a Variant of Uncertain Significance.

PreventionGenetics, part of Exact Sciences
Classification: Uncertain significance for MYLK-related condition. Last evaluated: 2025-10-07. Review status: criteria provided, single submitter. Criteria: ACMG Guidelines, 2015. Collection method: clinical testing. Allele origin: germline.
Comment: The MYLK c.4292C>T variant is predicted to result in the amino acid substitution p.Pro1431Leu. This variant was reported in individuals with thoracic aortic aneurysm/dissection (Table S6, Renner et al. 2019. PubMed ID: 30675029; Supplementary Table 2, Yang et al. 2022. PubMed ID: 36517271). This variant is reported in 0.017% of alleles in individuals of Latino descent in gnomAD. At this time, the clinical significance of this variant is uncertain due to the absence of conclusive functional and genetic evidence.

GeneDx
Classification: Uncertain significance. Last evaluated: 2025-04-17. Review status: criteria provided, single submitter. Criteria: GeneDx Variant Classification Process June 2021. Collection method: clinical testing. Allele origin: germline. Affected: yes.
Comment: In silico analysis supports that this missense variant has a deleterious effect on protein structure/function; This variant is associated with the following publications: (PMID: 30675029, 36517271)

Women's Health and Genetics/Laboratory Corporation of America, LabCorp
Classification: Uncertain significance. Last evaluated: 2025-03-17. Review status: criteria provided, single submitter. Criteria: LabCorp Variant Classification Summary - May 2015. Collection method: clinical testing. Allele origin: germline.
Comment: Variant summary: MYLK c.4292C>T (p.Pro1431Leu) results in a non-conservative amino acid change in the encoded protein sequence. Three of five in-silico tools predict a damaging effect of the variant on protein function. The variant allele was found at a frequency of 5.2e-05 in 250898 control chromosomes. This frequency is not significantly higher than estimated for a pathogenic variant in MYLK causing Megacystis-Microcolon Hypoperistalsis Syndrome 1, allowing no conclusion about variant significance. c.4292C>T has been reported in the literature in individuals affected with Thoracic Aortic Aneurysms And Dissections (e.g., Renner_2019, Yang_2022), however without strong evidence for causality (e.g., lack of co-segregation data). These reports therefore do not provide unequivocal conclusions about association of the variant with Thoracic Aortic Aneurysms And Dissections. To our knowledge, no experimental evidence demonstrating an impact on protein function has been reported. The following publications have been ascertained in the context of this evaluation (PMID: 30675029, 36517271). ClinVar contains an entry for this variant (Variation ID: 225287). Based on the evidence outlined above, the variant was classified as uncertain significance.

Mayo Clinic Laboratories, Mayo Clinic
Classification: Uncertain significance. Last evaluated: 2025-01-12. Review status: criteria provided, single submitter. Criteria: ACMG Guidelines, 2015. Collection method: clinical testing. Allele origin: germline. Observed: 1 variant allele.
Comment: BP4

Fulgent Genetics
Classification: Uncertain significance for Megacystis-microcolon-intestinal hypoperistalsis syndrome 1; Aortic aneurysm, familial thoracic 7. Last evaluated: 2021-08-19. Review status: criteria provided, single submitter. Criteria: ACMG Guidelines, 2015. Collection method: clinical testing. Allele origin: unknown.

CSER _CC_NCGL, University of Washington
Classification: Uncertain significance for Aortic aneurysm, familial thoracic 7. Last evaluated: 2015-12-01. Review status: criteria provided, single submitter. Criteria: Amendola et al. (Genome Res. 2015). Collection method: research. Allele origin: germline. Inheritance: Autosomal dominant inheritance. Study: CSER - NEXT Medicine variant annotation.
Comment: .GERP=2.08.ExAC Alt Allele Frequencies=AFR:0.0%,NFE:0.003%,EAS:0.0%,SAS:0.0%,FIN:0.015%,AMR:0.0%,OTH:0.0%.

Literature cited by the submitters: PubMed 30675029 (cited by 4 submitters); PubMed 36517271 (cited by 4 submitters).

NM_053025.4(MYLK):c.4292C>T (p.Pro1431Leu)

Gene: MYLK (myosin light chain kinase; minus strand). Cytogenetic location: 3q21.1.
Variant type: single nucleotide variant.
Coding change: c.4292C>T on transcript NM_053025.4 (MANE Select); coding-DNA position 4292, C replaced by T.
Protein change: p.Pro1431Leu; replaces proline 1431 with leucine.
Molecular consequence: missense variant.
Genome position (GRCh38, 1-based): chr3:123,649,191, G>A on the plus strand (C>T on the coding strand, the complement: MYLK is on the minus strand). VCF-style: chr3-123649191-G-A. GRCh37 (hg19) VCF-style: chr3-123368038-G-A.
Other names: p.Pro1431Leu; c.3764C>T, p.Pro1255Leu (NM_001321309.2); c.4085C>T, p.Pro1362Leu (NM_053026.4, NM_053028.4); c.4292C>T, p.Pro1431Leu (NM_053027.4); short protein forms P1431L, P1255L, P1362L.
Identifiers: ClinVar variation 225287 (VCV000225287.13), dbSNP rs746690413, ClinGen allele CA071326.